The following is an entry in ClinVar:

ClinVar aggregate classification (germline): Likely benign (1 of 4 stars; one submission).

Allele frequency attached by ClinVar (database versions not stated): gnomAD 0.00011; ExAC 0.00012; gnomAD exomes 0.00012; TOPMed 0.00014; ESP Exome Variant Server 0.00015.

Submission:

CeGaT Center for Human Genetics Tuebingen
Classification: Likely benign. Last evaluated: 2022-08-01. Review status: criteria provided, single submitter. Criteria: CeGaT Center For Human Genetics Tuebingen Variant Classification Criteria Version 2. Collection method: clinical testing. Allele origin: germline. Affected: yes. Observed: 1 variant allele.
Comment: FMO1: BP4, BP7

NM_001282693.2(FMO1):c.660G>A (p.Val220=)

Gene: FMO1 (flavin containing dimethylaniline monoxygenase 1; plus strand). Cytogenetic location: 1q24.3.
Variant type: single nucleotide variant.
Coding change: c.660G>A on transcript NM_001282693.2 (MANE Select); coding-DNA position 660, G replaced by A.
Protein change: p.Val220=; no amino-acid change (valine 220 retained).
Molecular consequence: synonymous variant.
Genome position (GRCh38, 1-based): chr1:171,280,818, G>A. VCF-style: chr1-171280818-G-A. GRCh37 (hg19) VCF-style: chr1-171249957-G-A.
Other names: c.660G>A, p.Val220= (NM_002021.3); c.672G>A, p.Val224= (NM_001282692.1); c.471G>A, p.Val157= (NM_001282694.2).
Identifiers: ClinVar variation 2639551 (VCV002639551.24), dbSNP rs146329612, ClinGen allele CA1241639.